The following is an entry in ClinVar:

ClinVar aggregate classification (germline): Uncertain significance. Review status: criteria provided, multiple submitters, no conflicts (2 of 4 stars). 2 submissions from 2 submitters: Uncertain significance (2). Last evaluated 2024-10-30.

Submissions (2):

GeneDx
Classification: Uncertain significance. Last evaluated: 2024-10-30. Review status: criteria provided, single submitter. Criteria: GeneDx Variant Classification Process June 2021. Collection method: clinical testing. Allele origin: germline. Affected: yes.
Comment: Not observed at significant frequency in large population cohorts (gnomAD); In silico analysis indicates that this missense variant does not alter protein structure/function; Has not been previously published as pathogenic or benign to our knowledge

Labcorp Genetics (formerly Invitae), Labcorp
Classification: Uncertain significance. Last evaluated: 2022-08-22. Review status: criteria provided, single submitter. Criteria: Invitae Variant Classification Sherloc (09022015). Collection method: clinical testing. Allele origin: germline.
Comment: In summary, the available evidence is currently insufficient to determine the role of this variant in disease. Therefore, it has been classified as a Variant of Uncertain Significance. Algorithms developed to predict the effect of missense changes on protein structure and function (SIFT, PolyPhen-2, Align-GVGD) all suggest that this variant is likely to be tolerated. This variant has not been reported in the literature in individuals affected with COQ2-related conditions. This variant is not present in population databases (gnomAD no frequency). This sequence change replaces serine, which is neutral and polar, with asparagine, which is neutral and polar, at codon 333 of the COQ2 protein (p.Ser333Asn).

NM_001358921.2(COQ2):c.848G>A (p.Ser283Asn)

Gene: COQ2 (coenzyme Q2, polyprenyltransferase; minus strand). Cytogenetic location: 4q21.23.
Variant type: single nucleotide variant.
Coding change: c.848G>A on transcript NM_001358921.2 (MANE Select); coding-DNA position 848, G replaced by A.
Protein change: p.Ser283Asn; replaces serine 283 with asparagine.
Molecular consequence: missense variant.
Genome position (GRCh38, 1-based): chr4:83,267,689, C>T on the plus strand (G>A on the coding strand, the complement: COQ2 is on the minus strand). VCF-style: chr4-83267689-C-T. GRCh37 (hg19) VCF-style: chr4-84188842-C-T.
Other names: c.998G>A, p.Ser333Asn (NM_015697.9); c.998G>A (NM_015697.7); short protein forms S333N, S283N.
Identifiers: ClinVar variation 2072781 (VCV002072781.3), dbSNP rs2126171621, ClinGen allele CA357229090.